The following is an entry in ClinVar:

ClinVar aggregate classification (germline): Uncertain significance (1 of 4 stars; one submission).

Submission:

Labcorp Genetics (formerly Invitae), Labcorp
Classification: Uncertain significance. Last evaluated: 2022-07-19. Review status: criteria provided, single submitter. Criteria: Invitae Variant Classification Sherloc (09022015). Collection method: clinical testing. Allele origin: germline.
Comment: In summary, the available evidence is currently insufficient to determine the role of this variant in disease. Therefore, it has been classified as a Variant of Uncertain Significance. Experimental studies and prediction algorithms are not available or were not evaluated, and the functional significance of this variant is currently unknown. This variant has not been reported in the literature in individuals affected with EMC1-related conditions. This variant is not present in population databases (gnomAD no frequency). This variant, c.2506_2508dup, results in the insertion of 1 amino acid(s) of the EMC1 protein (p.Gln836dup), but otherwise preserves the integrity of the reading frame.

NM_015047.3(EMC1):c.2503CAG[3] (p.Gln836dup)

Genes: EMC1 (ER membrane protein complex subunit 1; minus strand), EMC1-AS1 (EMC1 antisense RNA 1; plus strand). Cytogenetic location: 1p36.13.
Variant type: Microsatellite.
Coding change: c.2503CAG[3] on transcript NM_015047.3 (MANE Select); three copies in a row of the 3-base unit CAG starting at c.2503; the reference has two copies in a row; one copy, 3 bases duplicated.
Protein change: p.Gln836dup; duplicates glutamine 836.
Molecular consequence: inframe insertion.
Genome position (GRCh38, 1-based): chr1:19,222,703-19,222,705, CTG duplicated on the plus strand (CAG on the coding strand, the reverse complement: EMC1 is on the minus strand); duplicating any 3 consecutive bases within chr1:19,222,703-19,222,708 gives the same sequence; the position shown is the placement nearest the transcript's 3' end. VCF-style (leftmost placement, unchanged base first): chr1-19222702-A-ACTG. GRCh37 (hg19) VCF-style: chr1-19549196-A-ACTG.
Other names: c.2500CAG[3], p.Gln835dup (NM_001271427.2, NM_001271428.2); c.2437CAG[3], p.Gln814dup (NM_001271429.2); c.2512CAG[3], p.Gln839dup (NM_001375820.1); c.2509CAG[3], p.Gln838dup (NM_001375821.1).
Identifiers: ClinVar variation 1512798 (VCV001512798.6), dbSNP rs2093441358, ClinGen allele CA999266913.
Genomic context (GRCh38, chr1:19,222,702, plus strand): 5'-TGATGCCCCGTTCGGTGATGGTGGCCTCCATGGCACTGATGGAGGACGGGAAGATATAGG[A>ACTG]CTGCTGGAGGACCTGGGGCAGCTGGGGGCGGTCCAGGGAGCTGAAGGCGGTGGCGTTGTA-3'